The following is an entry in ClinVar:

ClinVar aggregate classification (germline): Benign/Likely benign. Review status: criteria provided, multiple submitters, no conflicts (2 of 4 stars). 10 submissions from 10 submitters: Benign (2); Likely benign (5). 3 of the submissions do not count toward it. Last evaluated 2026-07-01.

Conditions:
NSD1-related disorder. Also called: NSD1-related condition.
Sotos syndrome (SOTOS). Also called: CHROMOSOME 5q35 DELETION SYNDROME; CEREBRAL GIGANTISM; Sotos' syndrome; Distinctive facial appearance, overgrowth in childhood, and learning disabilities or delayed development; SOTOS SYNDROME 1. Identifiers: Orphanet 821, MedGen C0175695, MONDO:0019349, OMIM 117550.

Allele frequency attached by ClinVar (database versions not stated): gnomAD 0.00018 and 0.00019; TOPMed 0.00018; gnomAD exomes 0.00022 and 0.00027; ESP Exome Variant Server 0.00031; ExAC 0.00032.
gnomAD v4.1: 348 of 1,614,124 alleles (0.022%); highest among the groups gnomAD compares: Non-Finnish European, 0.028%; no homozygotes.

Submissions (10):

CeGaT Center for Human Genetics Tuebingen
Classification: Likely benign. Last evaluated: 2026-07-01. Review status: criteria provided, single submitter. Criteria: CeGaT Center For Human Genetics Tuebingen Variant Classification Criteria Version 2. Collection method: clinical testing. Allele origin: germline. Affected: yes. Observed: 12 variant alleles.
Comment: NSD1: BP4, BP7

Labcorp Genetics (formerly Invitae), Labcorp
Classification: Likely benign. Last evaluated: 2024-12-03. Review status: criteria provided, single submitter. Criteria: Invitae Variant Classification Sherloc (09022015). Collection method: clinical testing. Allele origin: germline.

Blueprint Genetics
Classification: Likely benign. Last evaluated: 2024-10-11. Review status: criteria provided, single submitter. Criteria: ACMG Guidelines, 2015. Collection method: clinical testing. Allele origin: germline.

Fulgent Genetics
Classification: Likely benign for Sotos syndrome. Last evaluated: 2021-12-28. Review status: criteria provided, single submitter. Criteria: ACMG Guidelines, 2015. Collection method: clinical testing. Allele origin: unknown.

Genome-Nilou Lab
Classification: Benign for Sotos syndrome. Last evaluated: 2021-07-15. Review status: criteria provided, single submitter. Criteria: ACMG Guidelines, 2015. Collection method: clinical testing. Allele origin: germline. Affected: no.

Eurofins Ntd Llc (ga)
Classification: Likely benign. Last evaluated: 2015-05-08. Review status: criteria provided, single submitter. Criteria: EGL Classification Definitions 2015. Collection method: clinical testing. Allele origin: germline. Observed: 2 variant alleles, 2 heterozygotes.

Genetic Services Laboratory, University of Chicago
Classification: Benign. Last evaluated: 2013-02-08. Review status: criteria provided, single submitter. Criteria: ACMG Guidelines, 2007. Collection method: clinical testing. Allele origin: germline. Inheritance: Autosomal dominant inheritance.

PreventionGenetics, part of Exact Sciences
Classification: Likely benign for NSD1-related condition. Last evaluated: 2024-05-16. Review status: no assertion criteria provided. Collection method: clinical testing. Allele origin: germline. Not counted in ClinVar's aggregate classification.
Comment: This variant is classified as likely benign based on ACMG/AMP sequence variant interpretation guidelines (Richards et al. 2015 PMID: 25741868, with internal and published modifications).

Clinical Genetics DNA and cytogenetics Diagnostics Lab, Erasmus MC, Erasmus Medical Center
Classification: Likely benign. Review status: no assertion criteria provided. Collection method: clinical testing. Allele origin: germline. Affected: yes. Study: VKGL Data-share Consensus. Not counted in ClinVar's aggregate classification.

Laboratory of Diagnostic Genome Analysis, Leiden University Medical Center (LUMC)
Classification: Likely benign. Review status: no assertion criteria provided. Collection method: clinical testing. Allele origin: germline. Affected: yes. Study: VKGL Data-share Consensus. Not counted in ClinVar's aggregate classification.

NM_022455.5(NSD1):c.6444T>C (p.Asn2148=)

Gene: NSD1 (nuclear receptor binding SET domain protein 1; plus strand). Cytogenetic location: 5q35.3.
Variant type: single nucleotide variant.
Coding change: c.6444T>C on transcript NM_022455.5 (MANE Select); coding-DNA position 6444, T replaced by C.
Protein change: p.Asn2148=; no amino-acid change (asparagine 2148 retained).
Molecular consequence: synonymous variant.
Genome position (GRCh38, 1-based): chr5:177,292,139, T>C. VCF-style: chr5-177292139-T-C. GRCh37 (hg19) VCF-style: chr5-176719140-T-C.
Other names: c.5571T>C, p.Asn1857= (NM_001365684.2, NM_001409308.1, NM_172349.5); c.6444T>C, p.Asn2148= (NM_001409301.1, NM_001409302.1, NM_001409303.1); c.6024T>C, p.Asn2008= (NM_001409304.1); c.5691T>C, p.Asn1897= (NM_001409305.1); c.5682T>C, p.Asn1894= (NM_001409306.1, NM_001409307.1); c.5322T>C, p.Asn1774= (NM_001409309.1).
Identifiers: ClinVar variation 96066 (VCV000096066.61), dbSNP rs146601031, ClinGen allele CA172846.